The following is an entry in ClinVar:

ClinVar aggregate classification (germline): Likely benign. Review status: criteria provided, multiple submitters, no conflicts (2 of 4 stars). 3 submissions from 3 submitters: Likely benign (3). Last evaluated 2025-05-22.

Conditions:
Diffuse cerebral and cerebellar atrophy - intractable seizures - progressive microcephaly syndrome. Also called: Microcephaly, progressive, with seizures and cerebral and cerebellar atrophy. Identifiers: Orphanet 404437, MedGen C4014239, MONDO:0014335, OMIM 615760.

Allele frequency attached by ClinVar (database versions not stated): gnomAD 0.00002; ExAC 0.00004; TOPMed 0.00004; gnomAD exomes 0.00005.
gnomAD v4.1: 59 of 1,612,578 alleles (0.0037%); highest among the groups gnomAD compares: Non-Finnish European, 0.0045%; no homozygotes.

Submissions (3):

Labcorp Genetics (formerly Invitae), Labcorp
Classification: Likely benign for Diffuse cerebral and cerebellar atrophy - intractable seizures - progressive microcephaly syndrome. Last evaluated: 2025-05-22. Review status: criteria provided, single submitter. Criteria: Invitae Variant Classification Sherloc (09022015). Collection method: clinical testing. Allele origin: germline.

Blueprint Genetics
Classification: Likely benign. Last evaluated: 2024-10-03. Review status: criteria provided, single submitter. Criteria: ACMG Guidelines, 2015. Collection method: clinical testing. Allele origin: germline.

GeneDx
Classification: Likely benign. Last evaluated: 2016-05-23. Review status: criteria provided, single submitter. Criteria: GeneDx Variant Classification (06012015). Collection method: clinical testing. Allele origin: germline. Affected: yes.
Comment: This variant is considered likely benign or benign based on one or more of the following criteria: it is a conservative change, it occurs at a poorly conserved position in the protein, it is predicted to be benign by multiple in silico algorithms, and/or has population frequency not consistent with disease.

NM_005051.3(QARS1):c.9T>C (p.Ala3=)

Gene: QARS1 (glutaminyl-tRNA synthetase 1; minus strand). Cytogenetic location: 3p21.31.
Variant type: single nucleotide variant.
Coding change: c.9T>C on transcript NM_005051.3 (MANE Select); coding-DNA position 9, T replaced by C.
Protein change: p.Ala3=; no amino-acid change (alanine 3 retained).
Molecular consequence: synonymous variant. On other transcripts: non-coding transcript variant (1).
Genome position (GRCh38, 1-based): chr3:49,104,725, A>G on the plus strand (T>C on the coding strand, the complement: QARS1 is on the minus strand). VCF-style: chr3-49104725-A-G. GRCh37 (hg19) VCF-style: chr3-49142158-A-G.
Other names: c.9T>C, p.Ala3= (NM_001272073.2).
Identifiers: ClinVar variation 386264 (VCV000386264.9), dbSNP rs776233744, ClinGen allele CA2392345.